The following is an entry in ClinVar:

ClinVar aggregate classification (germline): Uncertain significance. Review status: criteria provided, single submitter (1 of 4 stars). 2 submissions from 2 submitters: Uncertain significance (1). 1 of the submissions does not count toward it. Last evaluated 2024-12-23.

Conditions:
ABCB4-related disorder. Also called: ABCB4-related disorders; ABCB4-related condition.

gnomAD v4.1: 104 of 1,613,874 alleles (0.0064%); highest among the groups gnomAD compares: African/African-American, 0.11%; no homozygotes.

Submissions (2):

Mayo Clinic Laboratories, Mayo Clinic
Classification: Uncertain significance. Last evaluated: 2024-12-23. Review status: criteria provided, single submitter. Criteria: ACMG Guidelines, 2015. Collection method: clinical testing. Allele origin: germline. Observed: 1 variant allele.
Comment: BS1, PP3_moderate

PreventionGenetics, part of Exact Sciences
Classification: Uncertain significance for ABCB4-related condition. Last evaluated: 2024-03-26. Review status: no assertion criteria provided. Collection method: clinical testing. Allele origin: germline. Not counted in ClinVar's aggregate classification.
Comment: The ABCB4 c.3251G>A variant is predicted to result in the amino acid substitution p.Arg1084Gln. To our knowledge, this variant has not been reported in the literature. This variant is reported in 0.10% of alleles in individuals of African descent in gnomAD. At this time, the clinical significance of this variant is uncertain due to the absence of conclusive functional and genetic evidence.

NM_000443.4(ABCB4):c.3251G>A (p.Arg1084Gln)

Gene: ABCB4 (ATP binding cassette subfamily B member 4; minus strand). Cytogenetic location: 7q21.12.
Variant type: single nucleotide variant.
Coding change: c.3251G>A on transcript NM_000443.4 (MANE Select); coding-DNA position 3251, G replaced by A.
Protein change: p.Arg1084Gln; replaces arginine 1084 with glutamine.
Molecular consequence: missense variant.
Genome position (GRCh38, 1-based): chr7:87,408,065, C>T on the plus strand (G>A on the coding strand, the complement: ABCB4 is on the minus strand). VCF-style: chr7-87408065-C-T. GRCh37 (hg19) VCF-style: chr7-87037381-C-T.
Other names: p.Arg1084Gln; c.3251G>A, p.Arg1084Gln (NM_018849.3); c.3110G>A, p.Arg1037Gln (NM_018850.3); short protein forms R1037Q, R1084Q.
Identifiers: ClinVar variation 3353053 (VCV003353053.2).